The following is an entry in ClinVar:

ClinVar aggregate classification (germline): Benign/Likely benign. Review status: criteria provided, multiple submitters, no conflicts (2 of 4 stars). 5 submissions from 5 submitters: Benign (1); Likely benign (4). Last evaluated 2025-05-13.

Conditions:
TSPEAR-related disorder. Also called: TSPEAR-related condition.

Allele frequency attached by ClinVar (database versions not stated): 1000 Genomes Project 30x 0.00016; 1000 Genomes Project 0.00020; ExAC 0.00035; ESP Exome Variant Server 0.00039; gnomAD 0.00041 and 0.00046; TOPMed 0.00050; gnomAD exomes 0.00052.
gnomAD v4.1: 467 of 1,612,364 alleles (0.029%); highest among the groups gnomAD compares: Middle Eastern, 0.15%; no homozygotes.

Submissions (5):

Labcorp Genetics (formerly Invitae), Labcorp
Classification: Likely benign. Last evaluated: 2025-05-13. Review status: criteria provided, single submitter. Criteria: Invitae Variant Classification Sherloc (09022015). Collection method: clinical testing. Allele origin: germline.

PreventionGenetics, part of Exact Sciences
Classification: Likely benign for TSPEAR-related condition. Last evaluated: 2024-10-29. Review status: criteria provided, single submitter. Criteria: ACMG Guidelines, 2015. Collection method: clinical testing. Allele origin: germline.
Comment: This variant is classified as likely benign based on ACMG/AMP sequence variant interpretation guidelines (Richards et al. 2015 PMID: 25741868, with internal and published modifications).

Blueprint Genetics
Classification: Likely benign. Last evaluated: 2024-10-28. Review status: criteria provided, single submitter. Criteria: ACMG Guidelines, 2015. Collection method: clinical testing. Allele origin: germline.

CeGaT Center for Human Genetics Tuebingen
Classification: Likely benign. Last evaluated: 2023-03-01. Review status: criteria provided, single submitter. Criteria: CeGaT Center For Human Genetics Tuebingen Variant Classification Criteria Version 2. Collection method: clinical testing. Allele origin: germline. Affected: yes. Observed: 2 variant alleles.
Comment: TSPEAR: BP4, BP7

GeneDx
Classification: Benign. Last evaluated: 2019-01-23. Review status: criteria provided, single submitter. Criteria: GeneDx Variant Classification Process June 2021. Collection method: clinical testing. Allele origin: germline. Affected: yes.

NM_144991.3(TSPEAR):c.357C>T (p.Leu119=)

Gene: TSPEAR (thrombospondin type laminin G domain and EAR repeats; minus strand). Cytogenetic location: 21q22.3.
Variant type: single nucleotide variant.
Coding change: c.357C>T on transcript NM_144991.3 (MANE Select); coding-DNA position 357, C replaced by T.
Protein change: p.Leu119=; no amino-acid change (leucine 119 retained).
Molecular consequence: synonymous variant.
Genome position (GRCh38, 1-based): chr21:44,533,870, G>A on the plus strand (C>T on the coding strand, the complement: TSPEAR is on the minus strand). VCF-style: chr21-44533870-G-A. GRCh37 (hg19) VCF-style: chr21-45953753-G-A.
Other names: c.153C>T, p.Leu51= (NM_001272037.2).
Identifiers: ClinVar variation 737865 (VCV000737865.41), dbSNP rs149493344, ClinGen allele CA10057046.